The following is an entry in ClinVar:

NM_020964.3(EPG5):c.4007G>A (p.Gly1336Glu)

Gene: EPG5 (ectopic P-granules 5 autophagy tethering factor; minus strand). Cytogenetic location: 18q21.1.
Variant type: single nucleotide variant.
Coding change: c.4007G>A on transcript NM_020964.3 (MANE Select); coding-DNA position 4007, G replaced by A.
Protein change: p.Gly1336Glu; replaces glycine 1336 with glutamic acid.
Molecular consequence: missense variant.
Genome position (GRCh38, 1-based): chr18:45,910,719, C>T on the plus strand (G>A on the coding strand, the complement: EPG5 is on the minus strand). VCF-style: chr18-45910719-C-T. GRCh37 (hg19) VCF-style: chr18-43490684-C-T.
Other names: c.4007G>A, p.Gly1336Glu (LRG_1234t1); short protein forms G1336E.
Identifiers: ClinVar variation 427731 (VCV000427731.5), dbSNP rs1085308061, ClinGen allele CA402340281.

ClinVar aggregate classification (germline): Uncertain significance. Review status: criteria provided, single submitter (1 of 4 stars). 2 submissions from 2 submitters: Uncertain significance (1). 1 of the submissions does not count toward it. Last evaluated 2019-01-17.

Conditions:
Vici syndrome (VICIS). Identifiers: Orphanet 1493, MedGen C1855772, MONDO:0009452, OMIM 242840.

Submissions (2):

SIB Swiss Institute of Bioinformatics
Classification: Uncertain significance for Vici syndrome. Last evaluated: 2019-01-17. Review status: criteria provided, single submitter. Criteria: ACMG Guidelines, 2015. Collection method: curation. Allele origin: unknown.
Comment: This variant is interpreted as a Uncertain significance for Vici syndrome, autosomal recessive. The following ACMG Tag(s) were applied: PM2 => Absent from controls (or at extremely low frequency if recessive) in Exome Sequencing Project, 1000 Genomes Project, or Exome Aggregation Consortium. PP3 => Multiple lines of computational evidence support a deleterious effect on the gene or gene product. PM3 => For recessive disorders, detected in trans with a pathogenic variant (PMID:28168853).

ClinGen:CA402340281

OMIM
Classification: Pathogenic for VICI SYNDROME. Last evaluated: 2026-02-10. Review status: no assertion criteria provided. Collection method: literature only. Allele origin: germline. Not counted in ClinVar's aggregate classification.

Literature cited by the submitters: PubMed 28168853 (cited by SIB Swiss Institute of Bioinformatics and OMIM).